The following is an entry in ClinVar:

NM_001122752.2(SERPINI1):c.251-1G>C

Gene: SERPINI1 (serpin family I member 1; plus strand). Cytogenetic location: 3q26.1.
Variant type: single nucleotide variant.
Coding change: c.251-1G>C on transcript NM_001122752.2 (MANE Select); the canonical splice acceptor site of the intron before coding-DNA position 251, G replaced by C.
Molecular consequence: splice acceptor variant.
Genome position (GRCh38, 1-based): chr3:167,790,371, G>C. VCF-style: chr3-167790371-G-C. GRCh37 (hg19) VCF-style: chr3-167508159-G-C.
Other names: c.251-1G>C (NM_005025.5).
Identifiers: ClinVar variation 2831316 (VCV002831316.3), dbSNP rs1456626777, ClinGen allele CA355155875.

ClinVar aggregate classification (germline): Uncertain significance (1 of 4 stars; one submission).

Conditions:
Familial encephalopathy with neuroserpin inclusion bodies. Also called: ENCEPHALOPATHY, FAMILIAL, WITH COLLINS BODIES. Identifiers: Orphanet 85110, MedGen C1858680, MONDO:0011412, OMIM 604218.

Submission:

Labcorp Genetics (formerly Invitae), Labcorp
Classification: Uncertain significance for Familial encephalopathy with neuroserpin inclusion bodies. Last evaluated: 2024-08-14. Review status: criteria provided, single submitter. Criteria: Invitae Variant Classification Sherloc (09022015). Collection method: clinical testing. Allele origin: germline.
Comment: This sequence change affects an acceptor splice site in intron 2 of the SERPINI1 gene. It is expected to disrupt RNA splicing. Variants that disrupt the donor or acceptor splice site typically lead to a loss of protein function (PMID: 16199547), however the current clinical and genetic evidence is not sufficient to establish whether loss-of-function variants in SERPINI1 cause disease. This variant is not present in population databases (gnomAD no frequency). This variant has not been reported in the literature in individuals affected with SERPINI1-related conditions. Algorithms developed to predict the effect of sequence changes on RNA splicing suggest that this variant may disrupt the consensus splice site. In summary, the available evidence is currently insufficient to determine the role of this variant in disease. Therefore, it has been classified as a Variant of Uncertain Significance.

Literature cited by the submitters: PubMed 16199547.